The following is an entry in ClinVar:

ClinVar aggregate classification (germline): Likely benign (0 of 4 stars; one submission).

Conditions:
CTDP1-related disorder. Also called: CTDP1-related condition.

Allele frequency attached by ClinVar (database versions not stated): gnomAD exomes below 0.00001.
gnomAD v4.1: 3 of 1,384,462 alleles (0.00022%); highest among the groups gnomAD compares: Non-Finnish European, 0.00028%; no homozygotes.

Submission:

PreventionGenetics, part of Exact Sciences
Classification: Likely benign for CTDP1-related condition. Last evaluated: 2021-10-29. Review status: no assertion criteria provided. Collection method: clinical testing. Allele origin: germline.
Comment: This variant is classified as likely benign based on ACMG/AMP sequence variant interpretation guidelines (Richards et al. 2015 PMID: 25741868, with internal and published modifications).

NM_004715.5(CTDP1):c.-5C>T

Gene: CTDP1 (CTD phosphatase subunit 1; plus strand). Cytogenetic location: 18q23.
Variant type: single nucleotide variant.
Coding change: c.-5C>T on transcript NM_004715.5 (MANE Select); 5 bases upstream of the start codon, C replaced by T.
Molecular consequence: 5 prime UTR variant.
Genome position (GRCh38, 1-based): chr18:79,679,943, C>T. VCF-style: chr18-79679943-C-T. GRCh37 (hg19) VCF-style: chr18-77439943-C-T.
Other names: c.-5C>T (NM_001318511.2, NM_048368.4).
Identifiers: ClinVar variation 3057683 (VCV003057683.2), dbSNP rs2511986604, ClinGen allele CA2642354885.